The following is an entry in ClinVar:

NM_025114.4(CEP290):c.5968A>T (p.Lys1990Ter)

Gene: CEP290 (centrosomal protein 290; minus strand). Cytogenetic location: 12q21.32.
Variant type: single nucleotide variant.
Coding change: c.5968A>T on transcript NM_025114.4 (MANE Select); coding-DNA position 5968, A replaced by T.
Protein change: p.Lys1990Ter; replaces lysine 1990 with a stop codon.
Molecular consequence: nonsense.
Genome position (GRCh38, 1-based): chr12:88,071,337, T>A on the plus strand (A>T on the coding strand, the complement: CEP290 is on the minus strand). VCF-style: chr12-88071337-T-A. GRCh37 (hg19) VCF-style: chr12-88465114-T-A.
Other names: short protein forms K1990*.
Identifiers: ClinVar variation 5015012 (VCV005015012.1).

ClinVar aggregate classification (germline): Pathogenic (1 of 4 stars; one submission).

Conditions:
CEP290-related ciliopathy. Also called: CEP290 ciliopathy. Identifiers: MedGen CN305601, MONDO:0100451.

Submission:

Myriad Genetics, Inc.
Classification: Pathogenic for CEP290-related ciliopathy. Last evaluated: 2025-09-24. Review status: criteria provided, single submitter. Criteria: Myriad Autosomal Dominant, Autosomal Recessive and X-Linked Classification Criteria (2023). Collection method: clinical testing. Allele origin: unknown.
Comment: NM_025114.3(CEP290):c.5968A>T(K1990*) is expected to be pathogenic in the context of CEP290-related disorders. This variant is predicted to lead to an abnormal or absent protein product due to the creation of a premature termination codon in CEP290, a gene where loss-of-function variants are known to be pathogenic. Please note: this variant was assessed in the context of healthy population screening.